The following is an entry in ClinVar:

ClinVar aggregate classification (germline): Pathogenic. Review status: criteria provided, multiple submitters, no conflicts (2 of 4 stars). 7 submissions from 7 submitters: Pathogenic (6). 1 of the submissions does not count toward it. Last evaluated 2026-01-18.

Conditions:
COL2A1-related disorder. Also called: COL2A1-related condition; COL2A1-related disorders.
Stickler syndrome type 1 (STL1). Also called: COL2A1-Related Stickler Syndrome; ARTHROOPHTHALMOPATHY, HEREDITARY PROGRESSIVE; STICKLER SYNDROME, MEMBRANOUS VITREOUS TYPE; STICKLER SYNDROME, VITREOUS TYPE 1. Identifiers: Orphanet 828, Orphanet 90653, MedGen C2020284, MONDO:0007160, OMIM 108300.

Submissions (7):

Labcorp Genetics (formerly Invitae), Labcorp
Classification: Pathogenic. Last evaluated: 2026-01-18. Review status: criteria provided, single submitter. Criteria: Invitae Variant Classification Sherloc (09022015). Collection method: clinical testing. Allele origin: germline.
Comment: This sequence change creates a premature translational stop signal (p.Gly1047Alafs*83) in the COL2A1 gene. It is expected to result in an absent or disrupted protein product. Loss-of-function variants in COL2A1 are known to be pathogenic (PMID: 20179744). This variant is not present in population databases (gnomAD no frequency). This premature translational stop signal has been observed in individual(s) with COL2A1-related conditions (PMID: 8406454, 20513134, 31872526). This variant is also known as c.2931delT (p.P977fs). ClinVar contains an entry for this variant (Variation ID: 17365). For these reasons, this variant has been classified as Pathogenic.

PreventionGenetics, part of Exact Sciences
Classification: Pathogenic for COL2A1-related condition. Last evaluated: 2025-10-06. Review status: criteria provided, single submitter. Criteria: ACMG Guidelines, 2015. Collection method: clinical testing. Allele origin: germline.
Comment: The COL2A1 c.3138delT variant is predicted to result in a frameshift and premature protein termination (p.Gly1047Alafs*83). This variant has been reported in individuals with retinal dystrophy, high myopia and Stickler syndrome (see examples: Zhou et al. 2018. PubMed ID: 29453956; Chen et al. 2020. PubMed ID: 31872526; Hoornaert et al. 2010. PubMed ID: 20179744). This variant has not been reported in a large population database (gnomAD), indicating this variant is rare. Frameshift variants in COL2A1 are expected to be pathogenic. This variant is interpreted as pathogenic.

Blueprint Genetics
Classification: Pathogenic for COL2A1-related disorders. Last evaluated: 2024-04-24. Review status: criteria provided, single submitter. Criteria: ACMG Guidelines, 2015. Collection method: clinical testing. Allele origin: germline. Affected: yes. Observed: 5 variant alleles.

GeneDx
Classification: Pathogenic. Last evaluated: 2023-12-13. Review status: criteria provided, single submitter. Criteria: GeneDx Variant Classification Process June 2021. Collection method: clinical testing. Allele origin: germline. Affected: yes.
Comment: Not observed at significant frequency in large population cohorts (gnomAD); Frameshift variant predicted to result in protein truncation or nonsense mediated decay in a gene for which loss of function is a known mechanism of disease; This variant is associated with the following publications: (PMID: 29453956, 31872526, 30181686, 20179744, 8406454)

ARUP Laboratories, Molecular Genetics and Genomics, ARUP Laboratories
Classification: Pathogenic. Last evaluated: 2018-05-16. Review status: criteria provided, single submitter. Criteria: ARUP Molecular Germline Variant Investigation Process. Collection method: clinical testing. Allele origin: germline.
Comment: The COL2A1 c.3138delT; p.Gly1047fs variant (rs121912873) has been described in individuals with Stickler syndrome (Hoornaert 2010, Richards 2010). It is reported as pathogenic in ClinVar (Variation ID: 17365) and is absent from general population databases (1000 Genomes Project, Exome Variant Server, and Genome Aggregation Database), indicating it is not a common polymorphism. This variant creates a frameshift by deleting a single nucleotide, so it is predicted to result in a truncated protein or mRNA subject to nonsense-mediated decay. Based on available information, this variant is considered pathogenic. References: Hoornaert K et al. Stickler syndrome caused by COL2A1 mutations: genotype-phenotype correlation in a series of 100 patients. Eur J Hum Genet. 2010 Aug;18(8):872-80. Richards A et al. Stickler syndrome and the vitreous phenotype: mutations in COL2A1 and COL11A1. Hum Mutat. 2010 Jun;31(6):E1461-71.

Eurofins Ntd Llc (ga)
Classification: Pathogenic. Last evaluated: 2015-10-28. Review status: criteria provided, single submitter. Criteria: EGL Classification Definitions 2015. Collection method: clinical testing. Allele origin: germline. Observed: 1 variant allele, 1 heterozygote.

OMIM
Classification: Pathogenic for STICKLER SYNDROME, TYPE I. Last evaluated: 1993-07-01. Review status: no assertion criteria provided. Collection method: literature only. Allele origin: germline. Not counted in ClinVar's aggregate classification.

Literature cited by the submitters: PubMed 20179744 (cited by Labcorp Genetics (formerly Invitae), Labcorp); PubMed 8406454 (cited by 3 submitters); PubMed 20513134 (cited by Labcorp Genetics (formerly Invitae), Labcorp); PubMed 31872526 (cited by Labcorp Genetics (formerly Invitae), Labcorp).

NM_001844.5(COL2A1):c.3138del (p.Gly1047fs)

Gene: COL2A1 (collagen type II alpha 1 chain; minus strand). Cytogenetic location: 12q13.11.
Variant type: Deletion.
Coding change: c.3138del on transcript NM_001844.5 (MANE Select); coding-DNA position 3138, one base deleted (T; older notation c.3138delT).
Protein change: p.Gly1047fs; shifts the reading frame from glycine 1047.
Molecular consequence: frameshift variant.
Genome position (GRCh38, 1-based): chr12:47,977,627, A deleted on the plus strand (T on the coding strand, the reverse complement: COL2A1 is on the minus strand). VCF-style (leftmost placement, unchanged base first): chr12-47977626-CA-C. GRCh37 (hg19) VCF-style: chr12-48371409-CA-C.
Other names: P846*; c.3138delT (NM_001844.4); c.2931del, p.Gly978fs (NM_033150.3); short protein forms G978fs, G1047fs.
Identifiers: ClinVar variation 17365 (VCV000017365.26), dbSNP rs121912873, ClinGen allele CA281745.